The following is an entry in ClinVar:

NM_001128840.3(CACNA1D):c.2197A>G (p.Ile733Val)

Gene: CACNA1D (calcium voltage-gated channel subunit alpha1 D; plus strand). Cytogenetic location: 3p21.1.
Variant type: single nucleotide variant.
Coding change: c.2197A>G on transcript NM_001128840.3 (MANE Select); coding-DNA position 2197, A replaced by G.
Protein change: p.Ile733Val; replaces isoleucine 733 with valine.
Molecular consequence: missense variant.
Genome position (GRCh38, 1-based): chr3:53,726,975, A>G. VCF-style: chr3-53726975-A-G. GRCh37 (hg19) VCF-style: chr3-53761002-A-G.
Other names: c.2257A>G (NM_000720.3); c.2257A>G, p.Ile753Val (NM_000720.4); c.2197A>G, p.Ile733Val (NM_001128839.3); short protein forms I733V, I753V.
Identifiers: ClinVar variation 3004184 (VCV003004184.4), dbSNP rs2473732818, ClinGen allele CA353239177.

ClinVar aggregate classification (germline): Uncertain significance. Review status: criteria provided, multiple submitters, no conflicts (2 of 4 stars). 2 submissions from 2 submitters: Uncertain significance (2). Last evaluated 2025-02-13.

Submissions (2):

Athena Diagnostics
Classification: Uncertain significance. Last evaluated: 2025-02-13. Review status: criteria provided, single submitter. Criteria: Athena Diagnostics Criteria. Collection method: clinical testing. Allele origin: unknown.

Labcorp Genetics (formerly Invitae), Labcorp
Classification: Uncertain significance. Last evaluated: 2023-11-10. Review status: criteria provided, single submitter. Criteria: Invitae Variant Classification Sherloc (09022015). Collection method: clinical testing. Allele origin: germline.
Comment: This sequence change replaces isoleucine, which is neutral and non-polar, with valine, which is neutral and non-polar, at codon 753 of the CACNA1D protein (p.Ile753Val). This variant is not present in population databases (gnomAD no frequency). This variant has not been reported in the literature in individuals affected with CACNA1D-related conditions. Advanced modeling of protein sequence and biophysical properties (such as structural, functional, and spatial information, amino acid conservation, physicochemical variation, residue mobility, and thermodynamic stability) performed at Invitae indicates that this missense variant is not expected to disrupt CACNA1D protein function with a negative predictive value of 80%. In summary, the available evidence is currently insufficient to determine the role of this variant in disease. Therefore, it has been classified as a Variant of Uncertain Significance.